The following is an entry in ClinVar:

NM_001318895.3(FHL2):c.533del (p.Glu178fs)

Genes: C2orf49 (chromosome 2 open reading frame 49; plus strand), FHL2 (four and a half LIM domains 2; minus strand). Cytogenetic location: 2q12.2.
Variant type: Deletion.
Coding change: c.533del on transcript NM_001318895.3 (MANE Select); coding-DNA position 533, one base deleted (A; older notation c.533delA).
Protein change: p.Glu178fs; shifts the reading frame from glutamic acid 178.
Molecular consequence: frameshift variant.
Genome position (GRCh38, 1-based): chr2:105,363,440, T deleted on the plus strand (A on the coding strand, the reverse complement: FHL2 is on the minus strand). VCF-style (leftmost placement, unchanged base first): chr2-105363439-CT-C. GRCh37 (hg19) VCF-style: chr2-105979896-CT-C.
Other names: c.533del, p.Glu178fs (NM_001039492.3, NM_001318894.1, NM_001318896.2 and 4 more transcripts); c.191del, p.Glu64fs (NM_001318897.2, NM_001318898.2); c.209del, p.Glu70fs (NM_001318899.2); short protein forms E178fs, E64fs, E70fs.
Identifiers: ClinVar variation 1036221 (VCV001036221.5), dbSNP rs1680417431, ClinGen allele CA1276667327.

ClinVar aggregate classification (germline): Uncertain significance (1 of 4 stars; one submission).

Conditions:
Primary dilated cardiomyopathy (DCM). Also called: Dilated Cardiomyopathy. Identifiers: Orphanet 217604, MedGen C0007193, MeSH D002311, MONDO:0005021, HP:0001644. Inheritance: Various modes of inheritance.

Submission:

Labcorp Genetics (formerly Invitae), Labcorp
Classification: Uncertain significance for Primary dilated cardiomyopathy. Last evaluated: 2022-02-04. Review status: criteria provided, single submitter. Criteria: Invitae Variant Classification Sherloc (09022015). Collection method: clinical testing. Allele origin: germline.
Comment: This variant is not present in population databases (gnomAD no frequency). In summary, the available evidence is currently insufficient to determine the role of this variant in disease. Therefore, it has been classified as a Variant of Uncertain Significance. ClinVar contains an entry for this variant (Variation ID: 1036221). This variant has not been reported in the literature in individuals affected with FHL2-related conditions. This sequence change creates a premature translational stop signal (p.Glu178Glyfs*33) in the FHL2 gene. It is expected to result in an absent or disrupted protein product. However, the current clinical and genetic evidence is not sufficient to establish whether loss-of-function variants in FHL2 cause disease.